The following is an entry in ClinVar:

ClinVar aggregate classification (germline): Uncertain significance (1 of 4 stars; one submission).

Conditions:
Malignant hyperthermia, susceptibility to, 1 (MHS1). Also called: Anesthesia related hyperthermia; Malignant hyperpyrexia; Fulminating hyperpyrexia; Pharmacogenic myopathy; RYR1-Related Malignant Hyperthermia Susceptibility; Malignant hyperthermia suceptibility 1. Identifiers: Orphanet 423, MedGen C2930980, MONDO:0007783, OMIM 145600.

Allele frequency attached by ClinVar (database versions not stated): gnomAD exomes below 0.00001; TOPMed 0.00001.
gnomAD v4.1: 1 of 1,614,138 alleles (0.000062%); highest among the groups gnomAD compares: African/African-American, 0.0013%; no homozygotes.

Submission:

All of Us Research Program, National Institutes of Health
Classification: Uncertain significance for Malignant hyperthermia, susceptibility to, 1. Last evaluated: 2023-11-20. Review status: criteria provided, single submitter. Criteria: ACMG Guidelines, 2015. Collection method: clinical testing. Allele origin: germline. Inheritance: Autosomal dominant inheritance. Observed: 1 variant allele, 1 heterozygote.
Comment: This missense variant replaces aspartic acid with glycine at codon 1856 of the RYR1 protein. Computational prediction suggests that this variant may not impact protein structure and function (internally defined REVEL score threshold <= 0.5, PMID: 27666373). To our knowledge, functional studies have not been reported for this variant. This variant has not been reported in individuals affected with RYR1-related disorders in the literature. This variant has not been identified in the general population by the Genome Aggregation Database (gnomAD). The available evidence is insufficient to determine the role of this variant in disease conclusively. Therefore, this variant is classified as a Variant of Uncertain Significance.

This study involves interpretation of variants in research participants for the purpose of population health screening. Participant phenotype was not available at the time of variant classification. Additional details can be found in publication PMID: 35346344, PMCID: PMC8962531

NM_000540.3(RYR1):c.5567A>G (p.Asp1856Gly)

Gene: RYR1 (ryanodine receptor 1; plus strand). Cytogenetic location: 19q13.2.
Variant type: single nucleotide variant.
Coding change: c.5567A>G on transcript NM_000540.3 (MANE Select); coding-DNA position 5567, A replaced by G.
Protein change: p.Asp1856Gly; replaces aspartic acid 1856 with glycine.
Molecular consequence: missense variant.
Genome position (GRCh38, 1-based): chr19:38,489,196, A>G. VCF-style: chr19-38489196-A-G. GRCh37 (hg19) VCF-style: chr19-38979836-A-G.
Other names: c.5567A>G, p.Asp1856Gly (NM_001042723.2); short protein forms D1856G.
Identifiers: ClinVar variation 3074601 (VCV003074601.1), dbSNP rs947337333, ClinGen allele CA308096447.